The following is an entry in ClinVar:

ClinVar aggregate classification (germline): Uncertain significance (1 of 4 stars; one submission).

Conditions:
Severe combined immunodeficiency due to IKK2 deficiency. Also called: Immunodeficiency 15; IMMUNODEFICIENCY 15B. Identifiers: Orphanet 397787, MedGen C4747743, MONDO:0014267, OMIM 615592.

gnomAD v4.1: 3 of 1,614,164 alleles (0.00019%); highest among the groups gnomAD compares: Non-Finnish European, 0.00025%; no homozygotes.

Submission:

Labcorp Genetics (formerly Invitae), Labcorp
Classification: Uncertain significance for Severe combined immunodeficiency due to IKK2 deficiency. Last evaluated: 2026-01-19. Review status: criteria provided, single submitter. Criteria: Invitae Variant Classification Sherloc (09022015). Collection method: clinical testing. Allele origin: germline.
Comment: This sequence change replaces aspartic acid, which is acidic and polar, with tyrosine, which is neutral and polar, at codon 291 of the IKBKB protein (p.Asp291Tyr). This variant is not present in population databases (gnomAD no frequency). This variant has not been reported in the literature in individuals affected with IKBKB-related conditions. Invitae Evidence Modeling of protein sequence and biophysical properties (such as structural, functional, and spatial information, amino acid conservation, physicochemical variation, residue mobility, and thermodynamic stability) indicates that this missense variant is not expected to disrupt IKBKB protein function with a negative predictive value of 95%. In summary, the available evidence is currently insufficient to determine the role of this variant in disease. Therefore, it has been classified as a Variant of Uncertain Significance.

NM_001556.3(IKBKB):c.871G>T (p.Asp291Tyr)

Gene: IKBKB (inhibitor of nuclear factor kappa B kinase subunit beta; plus strand). Cytogenetic location: 8p11.21.
Variant type: single nucleotide variant.
Coding change: c.871G>T on transcript NM_001556.3 (MANE Select); coding-DNA position 871, G replaced by T.
Protein change: p.Asp291Tyr; replaces aspartic acid 291 with tyrosine.
Molecular consequence: missense variant. On other transcripts: non-coding transcript variant (3).
Genome position (GRCh38, 1-based): chr8:42,316,280, G>T. VCF-style: chr8-42316280-G-T. GRCh37 (hg19) VCF-style: chr8-42173798-G-T.
Other names: c.679G>T, p.Asp227Tyr (NM_001190720.3); c.694G>T, p.Asp232Tyr (NM_001242778.2); short protein forms D227Y, D232Y, D291Y.
Identifiers: ClinVar variation 4802733 (VCV004802733.1).